The following is an entry in ClinVar:

ClinVar aggregate classification (germline): Uncertain significance. Review status: criteria provided, multiple submitters, no conflicts (2 of 4 stars). 2 submissions from 2 submitters: Uncertain significance (2). Last evaluated 2025-07-15.

Conditions:
Inborn genetic diseases. Identifiers: MedGen C0950123, MeSH D030342.

Allele frequency attached by ClinVar (database versions not stated): ExAC 0.00001; gnomAD exomes 0.00001; TOPMed 0.00001; gnomAD 0.00003.

Submissions (2):

Ambry Genetics
Classification: Uncertain significance for Inborn genetic diseases. Last evaluated: 2025-07-15. Review status: criteria provided, single submitter. Criteria: Ambry Variant Classification Scheme 2023. Collection method: clinical testing. Allele origin: germline.

Labcorp Genetics (formerly Invitae), Labcorp
Classification: Uncertain significance. Last evaluated: 2022-06-15. Review status: criteria provided, single submitter. Criteria: Invitae Variant Classification Sherloc (09022015). Collection method: clinical testing. Allele origin: germline.
Comment: This sequence change replaces arginine, which is basic and polar, with cysteine, which is neutral and slightly polar, at codon 1258 of the MCM3AP protein (p.Arg1258Cys). The frequency data for this variant in the population databases is considered unreliable, as metrics indicate poor data quality at this position in the gnomAD database. This variant has not been reported in the literature in individuals affected with MCM3AP-related conditions. Algorithms developed to predict the effect of missense changes on protein structure and function (SIFT, PolyPhen-2, Align-GVGD) all suggest that this variant is likely to be disruptive. Algorithms developed to predict the effect of sequence changes on RNA splicing suggest that this variant may create or strengthen a splice site. In summary, the available evidence is currently insufficient to determine the role of this variant in disease. Therefore, it has been classified as a Variant of Uncertain Significance.

NM_003906.5(MCM3AP):c.3772C>T (p.Arg1258Cys)

Gene: MCM3AP (minichromosome maintenance complex component 3 associated protein; minus strand). Cytogenetic location: 21q22.3.
Variant type: single nucleotide variant.
Coding change: c.3772C>T on transcript NM_003906.5 (MANE Select); coding-DNA position 3772, C replaced by T.
Protein change: p.Arg1258Cys; replaces arginine 1258 with cysteine.
Molecular consequence: missense variant.
Genome position (GRCh38, 1-based): chr21:46,256,949, G>A on the plus strand (C>T on the coding strand, the complement: MCM3AP is on the minus strand). VCF-style: chr21-46256949-G-A. GRCh37 (hg19) VCF-style: chr21-47676863-G-A.
Other names: c.3772C>T (NM_003906.3); short protein forms R1258C.
Identifiers: ClinVar variation 2163269 (VCV002163269.2), dbSNP rs752891094, ClinGen allele CA10076376.